The following is an entry in ClinVar:

NM_004667.6(HERC2):c.4126C>T (p.Arg1376Ter)

Gene: HERC2 (HECT and RLD domain containing E3 ubiquitin protein ligase 2; minus strand). Cytogenetic location: 15q13.1.
Variant type: single nucleotide variant.
Coding change: c.4126C>T on transcript NM_004667.6 (MANE Select); coding-DNA position 4126, C replaced by T.
Protein change: p.Arg1376Ter; replaces arginine 1376 with a stop codon.
Molecular consequence: nonsense.
Genome position (GRCh38, 1-based): chr15:28,234,162, G>A on the plus strand (C>T on the coding strand, the complement: HERC2 is on the minus strand). VCF-style: chr15-28234162-G-A. GRCh37 (hg19) VCF-style: chr15-28479308-G-A.
Other names: short protein forms R1376*.
Identifiers: ClinVar variation 803061 (VCV000803061.3), dbSNP rs575492335, ClinGen allele CA267913248.

ClinVar aggregate classification (germline): Pathogenic/Likely pathogenic. Review status: criteria provided, multiple submitters, no conflicts (2 of 4 stars). 3 submissions from 3 submitters: Pathogenic (1); Likely pathogenic (2). Last evaluated 2025-09-22.

Conditions:
Prader-Willi syndrome (PWS). Identifiers: Orphanet 739, MedGen C0032897, MONDO:0008300, OMIM 176270. Disease mechanism: loss of function, Microdeletion. Inheritance: Microdletion.
Developmental delay with autism spectrum disorder and gait instability (MRT38). Also called: Intellectual developmental disorder, autosomal recessive 38. Identifiers: Orphanet 329195, MedGen C3809753, MONDO:0014224, OMIM 615516.

Allele frequency attached by ClinVar (database versions not stated): gnomAD exomes 0.00014; 1000 Genomes Project 0.00040; 1000 Genomes Project 30x 0.00109; gnomAD 0.00153.

Submissions (3):

Labcorp Genetics (formerly Invitae), Labcorp
Classification: Pathogenic. Last evaluated: 2025-09-22. Review status: criteria provided, single submitter. Criteria: Invitae Variant Classification Sherloc (09022015). Collection method: clinical testing. Allele origin: germline.
Comment: This sequence change creates a premature translational stop signal (p.Arg1376*) in the HERC2 gene. It is expected to result in an absent or disrupted protein product. Loss-of-function variants in HERC2 are known to be pathogenic (PMID: 31623504, 32571899). The frequency data for this variant in the population databases is considered unreliable, as metrics indicate poor data quality at this position in the gnomAD database. This variant has not been reported in the literature in individuals affected with HERC2-related conditions. ClinVar contains an entry for this variant (Variation ID: 803061). For these reasons, this variant has been classified as Pathogenic.

Department of Pathology and Laboratory Medicine, Sinai Health System
Classification: Likely pathogenic for Prader-Willi syndrome; Developmental delay with autism spectrum disorder and gait instability. Last evaluated: 2023-01-04. Review status: criteria provided, single submitter. Criteria: ACMG Guidelines, 2015. Collection method: research. Allele origin: germline.

Mendelics
Classification: Likely pathogenic for Developmental delay with autism spectrum disorder and gait instability. Last evaluated: 2019-05-28. Review status: criteria provided, single submitter. Criteria: Mendelics Assertion Criteria 2017. Collection method: clinical testing. Allele origin: unknown.

Literature cited by the submitters: PubMed 31623504 (cited by Labcorp Genetics (formerly Invitae), Labcorp); PubMed 32571899 (cited by Labcorp Genetics (formerly Invitae), Labcorp).